The following is an entry in ClinVar:

NM_001845.6(COL4A1):c.3644C>T (p.Pro1215Leu)

Gene: COL4A1 (collagen type IV alpha 1 chain; minus strand). Cytogenetic location: 13q34.
Variant type: single nucleotide variant.
Coding change: c.3644C>T on transcript NM_001845.6 (MANE Select); coding-DNA position 3644, C replaced by T.
Protein change: p.Pro1215Leu; replaces proline 1215 with leucine.
Molecular consequence: missense variant.
Genome position (GRCh38, 1-based): chr13:110,170,645, G>A on the plus strand (C>T on the coding strand, the complement: COL4A1 is on the minus strand). VCF-style: chr13-110170645-G-A. GRCh37 (hg19) VCF-style: chr13-110822992-G-A.
Other names: c.3644C>T (NM_001845.5); short protein forms P1215L.
Identifiers: ClinVar variation 2061682 (VCV002061682.5), dbSNP rs547983152, ClinGen allele CA7047185.
Genomic context (GRCh38, chr13:110,170,645, plus strand): 5'-TTGGGCCCCTCCGTGGCATGGCCTGGGGATCCCGGTAACCCCGGCTGTCCCTGGGGCCCC[G>A]GAGGACCCATGAATCCTTGCTCTCCTTTGGATCCAGGAATTCCTGGGCTCCCGGCTAATC-3'
Protein context (NP_001836.3, residues 1205-1225): SKGEQGFMGP[Pro1215Leu]GPQGQPGLPG

ClinVar aggregate classification (germline): Uncertain significance. Review status: criteria provided, multiple submitters, no conflicts (2 of 4 stars). 2 submissions from 2 submitters: Uncertain significance (2). Last evaluated 2025-06-12.

Conditions:
COL4A1-related disorder. Also called: COL4A1-related disorders; COL4A1-related condition. Identifiers: MedGen CN376119, MONDO:0800461.

Allele frequency attached by ClinVar (database versions not stated): gnomAD exomes 0.00002; TOPMed 0.00003; gnomAD 0.00004; ExAC 0.00005; 1000 Genomes Project 30x 0.00016; 1000 Genomes Project 0.00020.
gnomAD v4.1: 30 of 1,613,646 alleles (0.0019%); highest among the groups gnomAD compares: South Asian, 0.0055%; no homozygotes.

Submissions (2):

Labcorp Genetics (formerly Invitae), Labcorp
Classification: Uncertain significance. Last evaluated: 2025-06-12. Review status: criteria provided, single submitter. Criteria: Invitae Variant Classification Sherloc (09022015). Collection method: clinical testing. Allele origin: germline.
Comment: This sequence change replaces proline, which is neutral and non-polar, with leucine, which is neutral and non-polar, at codon 1215 of the COL4A1 protein (p.Pro1215Leu). This variant is present in population databases (rs547983152, gnomAD 0.008%). This variant has not been reported in the literature in individuals affected with COL4A1-related conditions. ClinVar contains an entry for this variant (Variation ID: 2061682). Invitae Evidence Modeling of protein sequence and biophysical properties (such as structural, functional, and spatial information, amino acid conservation, physicochemical variation, residue mobility, and thermodynamic stability) indicates that this missense variant is not expected to disrupt COL4A1 protein function with a negative predictive value of 95%. In summary, the available evidence is currently insufficient to determine the role of this variant in disease. Therefore, it has been classified as a Variant of Uncertain Significance.

PreventionGenetics, part of Exact Sciences
Classification: Uncertain significance for COL4A1-related condition. Last evaluated: 2024-12-20. Review status: criteria provided, single submitter. Criteria: ACMG Guidelines, 2015. Collection method: clinical testing. Allele origin: germline.
Comment: The COL4A1 c.3644C>T variant is predicted to result in the amino acid substitution p.Pro1215Leu. To our knowledge, this variant has not been reported in the literature. This variant is reported in 0.0081% of alleles in individuals of African descent in gnomAD. At this time, the clinical significance of this variant is uncertain due to the absence of conclusive functional and genetic evidence.